The following is an entry in ClinVar:

NM_000363.5(TNNI3):c.80G>A (p.Arg27His)

Gene: TNNI3 (troponin I3, cardiac type; minus strand). Cytogenetic location: 19q13.42.
Variant type: single nucleotide variant.
Coding change: c.80G>A on transcript NM_000363.5 (MANE Select); coding-DNA position 80, G replaced by A.
Protein change: p.Arg27His; replaces arginine 27 with histidine.
Molecular consequence: missense variant.
Genome position (GRCh38, 1-based): chr19:55,157,078, C>T on the plus strand (G>A on the coding strand, the complement: TNNI3 is on the minus strand). VCF-style: chr19-55157078-C-T. GRCh37 (hg19) VCF-style: chr19-55668446-C-T.
Other names: short protein forms R27H.
Identifiers: ClinVar variation 1720394 (VCV001720394.5), dbSNP rs2147285955, ClinGen allele CA407442976.

ClinVar aggregate classification (germline): Uncertain significance (1 of 4 stars; one submission).

Conditions:
Hypertrophic cardiomyopathy. Also called: HYPERTROPHIC MYOCARDIOPATHY. Identifiers: Orphanet 217569, MedGen C0007194, MeSH D002312, MONDO:0005045, HP:0001639.

Submission:

Labcorp Genetics (formerly Invitae), Labcorp
Classification: Uncertain significance for Hypertrophic cardiomyopathy. Last evaluated: 2022-09-26. Review status: criteria provided, single submitter. Criteria: Invitae Variant Classification Sherloc (09022015). Collection method: clinical testing. Allele origin: germline.
Comment: This sequence change replaces arginine, which is basic and polar, with histidine, which is basic and polar, at codon 27 of the TNNI3 protein (p.Arg27His). This variant is not present in population databases (gnomAD no frequency). This variant has not been reported in the literature in individuals affected with TNNI3-related conditions. Algorithms developed to predict the effect of missense changes on protein structure and function are either unavailable or do not agree on the potential impact of this missense change (SIFT: "Deleterious"; PolyPhen-2: "Probably Damaging"; Align-GVGD: "Class C0"). In summary, the available evidence is currently insufficient to determine the role of this variant in disease. Therefore, it has been classified as a Variant of Uncertain Significance.